The following is an entry in ClinVar:

NM_198576.4(AGRN):c.5261A>C (p.His1754Pro)

Gene: AGRN (agrin; plus strand). Cytogenetic location: 1p36.33.
Variant type: single nucleotide variant.
Coding change: c.5261A>C on transcript NM_198576.4 (MANE Select); coding-DNA position 5261, A replaced by C.
Protein change: p.His1754Pro; replaces histidine 1754 with proline.
Molecular consequence: missense variant.
Genome position (GRCh38, 1-based): chr1:1,051,260, A>C. VCF-style: chr1-1051260-A-C. GRCh37 (hg19) VCF-style: chr1-986640-A-C.
Other names: c.5273A>C, p.His1758Pro (NM_001305275.2); c.4958A>C, p.His1653Pro (NM_001364727.2); short protein forms H1754P, H1653P, H1758P.
Identifiers: ClinVar variation 1442578 (VCV001442578.8), dbSNP rs1023027486, ClinGen allele CA16702292.

ClinVar aggregate classification (germline): Uncertain significance (1 of 4 stars; one submission).

Conditions:
Congenital myasthenic syndrome 8. Also called: Myasthenic syndrome, congenital, 8, with pre- and postsynaptic defects; MYASTHENIC SYNDROME, CONGENITAL, DUE TO AGRIN DEFICIENCY. Identifiers: Orphanet 590, MedGen C3808739, MONDO:0014052, OMIM 615120.

Allele frequency attached by ClinVar (database versions not stated): gnomAD 0.00002; TOPMed 0.00002.
gnomAD v4.1: 3 of 1,581,634 alleles (0.00019%); highest among the groups gnomAD compares: African/African-American, 0.004%; no homozygotes.

Submission:

Labcorp Genetics (formerly Invitae), Labcorp
Classification: Uncertain significance for Congenital myasthenic syndrome 8. Last evaluated: 2022-08-16. Review status: criteria provided, single submitter. Criteria: Invitae Variant Classification Sherloc (09022015). Collection method: clinical testing. Allele origin: germline.
Comment: ClinVar contains an entry for this variant (Variation ID: 1442578). This sequence change replaces histidine, which is basic and polar, with proline, which is neutral and non-polar, at codon 1754 of the AGRN protein (p.His1754Pro). This variant is not present in population databases (gnomAD no frequency). This variant has not been reported in the literature in individuals affected with AGRN-related conditions. Algorithms developed to predict the effect of missense changes on protein structure and function are either unavailable or do not agree on the potential impact of this missense change (SIFT: "Deleterious"; PolyPhen-2: "Benign"; Align-GVGD: "Class C0"). In summary, the available evidence is currently insufficient to determine the role of this variant in disease. Therefore, it has been classified as a Variant of Uncertain Significance.